The following is an entry in ClinVar:

NM_001142800.2(EYS):c.7243C>T (p.Gln2415Ter)

Gene: EYS (EGF-like photoreceptor maintenance factor; minus strand). Cytogenetic location: 6q12.
Variant type: single nucleotide variant.
Coding change: c.7243C>T on transcript NM_001142800.2 (MANE Select); coding-DNA position 7243, C replaced by T.
Protein change: p.Gln2415Ter; replaces glutamine 2415 with a stop codon.
Molecular consequence: nonsense.
Genome position (GRCh38, 1-based): chr6:63,806,358, G>A on the plus strand (C>T on the coding strand, the complement: EYS is on the minus strand). VCF-style: chr6-63806358-G-A. GRCh37 (hg19) VCF-style: chr6-64516251-G-A.
Other names: c.7243C>T, p.Gln2415Ter (NM_001292009.2); short protein forms Q2415*.
Identifiers: ClinVar variation 2806416 (VCV002806416.4), dbSNP rs2533574370, ClinGen allele CA364388424.

ClinVar aggregate classification (germline): Pathogenic/Likely pathogenic. Review status: criteria provided, multiple submitters, no conflicts (2 of 4 stars). 2 submissions from 2 submitters: Pathogenic (1); Likely pathogenic (1). Last evaluated 2023-10-29.

Conditions:
EYS-related disorder. Also called: EYS-related condition.

Submissions (2):

Labcorp Genetics (formerly Invitae), Labcorp
Classification: Pathogenic. Last evaluated: 2023-10-29. Review status: criteria provided, single submitter. Criteria: Invitae Variant Classification Sherloc (09022015). Collection method: clinical testing. Allele origin: germline.
Comment: This sequence change creates a premature translational stop signal (p.Gln2415*) in the EYS gene. It is expected to result in an absent or disrupted protein product. Loss-of-function variants in EYS are known to be pathogenic (PMID: 18836446, 20333770). This variant is not present in population databases (gnomAD no frequency). This variant has not been reported in the literature in individuals affected with EYS-related conditions. For these reasons, this variant has been classified as Pathogenic.

Blueprint Genetics
Classification: Likely pathogenic for EYS-related disorders. Last evaluated: 2020-03-16. Review status: criteria provided, single submitter. Criteria: ACMG Guidelines, 2015. Collection method: clinical testing. Allele origin: germline. Affected: yes. Observed: 1 variant allele.

Literature cited by the submitters: PubMed 18836446 (cited by Labcorp Genetics (formerly Invitae), Labcorp); PubMed 20333770 (cited by Labcorp Genetics (formerly Invitae), Labcorp).